The following is an entry in ClinVar:

NM_020549.5(CHAT):c.463T>A (p.Ser155Thr)

Gene: CHAT (choline O-acetyltransferase; plus strand). Cytogenetic location: 10q11.23.
Variant type: single nucleotide variant.
Coding change: c.463T>A on transcript NM_020549.5 (MANE Select); coding-DNA position 463, T replaced by A.
Protein change: p.Ser155Thr; replaces serine 155 with threonine.
Molecular consequence: missense variant.
Genome position (GRCh38, 1-based): chr10:49,619,800, T>A. VCF-style: chr10-49619800-T-A. GRCh37 (hg19) VCF-style: chr10-50827846-T-A.
Other names: c.109T>A, p.Ser37Thr (NM_001142929.2, NM_001142934.2, NM_020984.4 and 2 more transcripts); c.217T>A, p.Ser73Thr (NM_001142933.2); short protein forms S155T, S73T, S37T.
Identifiers: ClinVar variation 1033538 (VCV001033538.1), dbSNP rs1838634644, ClinGen allele CA376726842.
Genomic context (GRCh38, chr10:49,619,800, plus strand): 5'-CCCGTGCCCCCGCTGCAGCAGACCCTGGCCACGTACCTGCAGTGCATGCGACACTTGGTG[T>A]CTGAGGAGCAGTTCAGGAAGAGCCAGGCCATTGTGCAGCAGTTTGGGGCCCCTGGTGGCC-3'
Protein context (NP_065574.4, residues 145-165): TYLQCMRHLV[Ser155Thr]EEQFRKSQAI

ClinVar aggregate classification (germline): Uncertain significance (1 of 4 stars; one submission).

Conditions:
Familial infantile myasthenia (CMS6). Also called: MYASTHENIC SYNDROME, CONGENITAL, 6, PRESYNAPTIC; MYASTHENIC SYNDROME, PRESYNAPTIC, CONGENITAL, ASSOCIATED WITH EPISODIC APNEA; Congenital myasthenic syndrome type 6. Identifiers: Orphanet 590, MedGen C0393929, MONDO:0009689, OMIM 254210.

Submission:

Baylor Genetics
Classification: Uncertain significance for Familial infantile myasthenia. Last evaluated: 2018-04-05. Review status: criteria provided, single submitter. Criteria: ACMG Guidelines, 2015. Collection method: clinical testing. Allele origin: unknown. Affected: yes.
Comment: This variant was determined to be of uncertain significance according to ACMG Guidelines, 2015 [PMID:25741868].